The following is an entry in ClinVar:

NM_004260.4(RECQL4):c.293G>A (p.Arg98His)

Gene: RECQL4 (RecQ like helicase 4; minus strand). Cytogenetic location: 8q24.3.
Variant type: single nucleotide variant.
Coding change: c.293G>A on transcript NM_004260.4 (MANE Select); coding-DNA position 293, G replaced by A.
Protein change: p.Arg98His; replaces arginine 98 with histidine.
Molecular consequence: missense variant.
Genome position (GRCh38, 1-based): chr8:144,517,111, C>T on the plus strand (G>A on the coding strand, the complement: RECQL4 is on the minus strand). VCF-style: chr8-144517111-C-T. GRCh37 (hg19) VCF-style: chr8-145742495-C-T.
Other names: c.293G>A (NM_004260.3); c.-676G>A (NM_001413024.1, NM_001413035.1); c.164G>A, p.Arg55His (NM_001413025.1); c.-841G>A (NM_001413027.1, NM_001413030.1, NM_001413031.1 and 1 more transcripts); c.-504G>A (NM_001413028.1); c.293G>A, p.Arg98His (NM_001413029.1, NM_001413033.1, NM_001413036.1 and 5 more transcripts); c.-738G>A (NM_001413032.1); c.-683G>A (NM_001413034.1); and 3 more; short protein forms R98H, R55H.
Identifiers: ClinVar variation 2115497 (VCV002115497.5), dbSNP rs769634470, ClinGen allele CA372692114.
Genomic context (GRCh38, chr8:144,517,111, plus strand): 5'-TGCAGGGTGCCTTTCAGATTGGCCTTGAGCCGCTGCCCGTAGTCCGGCACCGAGCCCTGG[C>T]GGCTCCGCCCTGGCGTAGACTGTGGACTCTTGGTCGCAGCCCGATTCAGATGGGGCCCCC-3'
Protein context (NP_004251.4, residues 88-108): KSPQSTPGRS[Arg98His]QGSVPDYGQR

ClinVar aggregate classification (germline): Uncertain significance. Review status: criteria provided, multiple submitters, no conflicts (2 of 4 stars). 2 submissions from 2 submitters: Uncertain significance (2). Last evaluated 2025-03-02.

Conditions:
Inborn genetic diseases. Identifiers: MedGen C0950123, MeSH D030342.
Baller-Gerold syndrome (BGS). Also called: CRANIOSYNOSTOSIS WITH RADIAL DEFECTS. Identifiers: Orphanet 1225, MedGen C0265308, MONDO:0009039, OMIM 218600.

Submissions (2):

Ambry Genetics
Classification: Uncertain significance for Inborn genetic diseases. Last evaluated: 2025-03-02. Review status: criteria provided, single submitter. Criteria: Ambry Variant Classification Scheme 2023. Collection method: clinical testing. Allele origin: germline.
Comment: The p.R98H variant (also known as c.293G>A), located in coding exon 4 of the RECQL4 gene, results from a G to A substitution at nucleotide position 293. The arginine at codon 98 is replaced by histidine, an amino acid with highly similar properties. This amino acid position is conserved. In addition, this alteration is predicted to be tolerated by in silico analysis. Based on the available evidence, the clinical significance of this variant remains unclear.

Labcorp Genetics (formerly Invitae), Labcorp
Classification: Uncertain significance for Baller-Gerold syndrome. Last evaluated: 2022-03-21. Review status: criteria provided, single submitter. Criteria: Invitae Variant Classification Sherloc (09022015). Collection method: clinical testing. Allele origin: germline.
Comment: Experimental studies and prediction algorithms are not available or were not evaluated, and the functional significance of this variant is currently unknown. In summary, the available evidence is currently insufficient to determine the role of this variant in disease. Therefore, it has been classified as a Variant of Uncertain Significance. This variant is not present in population databases (gnomAD no frequency). This variant has not been reported in the literature in individuals affected with RECQL4-related conditions. This sequence change replaces arginine, which is basic and polar, with histidine, which is basic and polar, at codon 98 of the RECQL4 protein (p.Arg98His).